The following is an entry in ClinVar:

NM_004612.4(TGFBR1):c.490C>T (p.Pro164Ser)

Gene: TGFBR1 (transforming growth factor beta receptor 1; plus strand). Cytogenetic location: 9q22.33.
Variant type: single nucleotide variant.
Coding change: c.490C>T on transcript NM_004612.4 (MANE Select); coding-DNA position 490, C replaced by T.
Protein change: p.Pro164Ser; replaces proline 164 with serine.
Molecular consequence: missense variant. On other transcripts: intron variant (1).
Genome position (GRCh38, 1-based): chr9:99,132,655, C>T. VCF-style: chr9-99132655-C-T. GRCh37 (hg19) VCF-style: chr9-101894937-C-T.
Other names: c.502C>T, p.Pro168Ser (NM_001306210.2); c.343+3555C>T (NM_001130916.3); short protein forms P164S, P168S.
Identifiers: ClinVar variation 364099 (VCV000364099.6), dbSNP rs886063222, ClinGen allele CA10630697.

ClinVar aggregate classification (germline): Uncertain significance (1 of 4 stars; one submission).

Conditions:
Familial thoracic aortic aneurysm and aortic dissection (TAAD). Also called: Thoracic aortic aneurysms and dissections. Identifiers: Orphanet 91387, MedGen C4707243, MONDO:0019625.

Submission:

Color Diagnostics, LLC DBA Color Health
Classification: Uncertain significance for Familial thoracic aortic aneurysm and aortic dissection. Last evaluated: 2025-06-17. Review status: criteria provided, single submitter. Criteria: ACMG Guidelines, 2015. Collection method: clinical testing. Allele origin: germline.
Comment: This missense variant replaces proline with serine at codon 164 of the TGFBR1 protein. Computational prediction suggests that this variant may not impact protein structure and function. To our knowledge, functional studies have not been reported for this variant. This variant has not been reported in individuals affected with TGFBR1-related disorders in the literature. This variant has not been identified in the general population by the Genome Aggregation Database (gnomAD). The available evidence is insufficient to determine the role of this variant in disease conclusively. Therefore, this variant is classified as a Variant of Uncertain Significance.